The following is an entry in ClinVar:

ClinVar aggregate classification (germline): Benign/Likely benign. Review status: criteria provided, multiple submitters, no conflicts (2 of 4 stars). 14 submissions from 11 submitters: Benign (6); Likely benign (5). 3 of the submissions do not count toward it. Last evaluated 2026-05-01.

Conditions:
Kidney disorder. Also called: Kidney disease; Kidney Diseases; Nephropathy; renal disorder; renal disease. Identifiers: MedGen C0022658, MONDO:0005240, HP:0000112.
Basal laminar drusen. Also called: DRUSEN OF BRUCH MEMBRANE; DRUSEN, CUTICULAR; DRUSEN, EARLY ADULT-ONSET, GROUPED. Identifiers: Orphanet 75376, MedGen C0730295, MONDO:0007472, OMIM 126700.
Age related macular degeneration 4. Identifiers: MedGen C1853147, MONDO:0012540, OMIM 610698.
Hemolytic uremic syndrome, atypical, susceptibility to, 1. Also called: AHUS, SUSCEPTIBILITY TO, 1. Identifiers: Orphanet 2134, Orphanet 90038, MedGen C2749604, MONDO:0009335, OMIM 235400. Disease mechanism: Other.
Factor H deficiency (CFHD). Also called: COMPLEMENT FACTOR H DEFICIENCY; CFH DEFICIENCY. Identifiers: Orphanet 200421, MedGen C0398777, MONDO:0012350, OMIM 609814.

Allele frequency attached by ClinVar (database versions not stated): gnomAD exomes 0.00033; gnomAD 0.00242 and 0.00269; ExAC 0.00487; 1000 Genomes Project 30x 0.00843.
gnomAD v4.1: 863 of 1,606,642 alleles (0.054%); highest among the groups gnomAD compares: African/African-American, 1.1%; no homozygotes.

Submissions (14):

CeGaT Center for Human Genetics Tuebingen
Classification: Likely benign. Last evaluated: 2026-05-01. Review status: criteria provided, single submitter. Criteria: CeGaT Center For Human Genetics Tuebingen Variant Classification Criteria Version 2. Collection method: clinical testing. Allele origin: germline. Affected: yes. Observed: 3 variant alleles.
Comment: CFH: BP4, BP7, BS1

Women's Health and Genetics/Laboratory Corporation of America, LabCorp
Classification: Likely benign. Last evaluated: 2026-01-22. Review status: criteria provided, single submitter. Criteria: LabCorp Variant Classification Summary - May 2015. Collection method: clinical testing. Allele origin: germline.

Blueprint Genetics
Classification: Likely benign. Last evaluated: 2024-11-25. Review status: criteria provided, single submitter. Criteria: ACMG Guidelines, 2015. Collection method: clinical testing. Allele origin: germline.

Genome-Nilou Lab
Classification: Benign for Hemolytic uremic syndrome, atypical, susceptibility to, 1. Last evaluated: 2023-04-11. Review status: criteria provided, single submitter. Criteria: ACMG Guidelines, 2015. Collection method: clinical testing. Allele origin: germline. Affected: no.

Genome-Nilou Lab
Classification: Benign for Age related macular degeneration 4. Last evaluated: 2023-04-11. Review status: criteria provided, single submitter. Criteria: ACMG Guidelines, 2015. Collection method: clinical testing. Allele origin: germline. Affected: no.

Genome-Nilou Lab
Classification: Benign for Basal laminar drusen. Last evaluated: 2023-04-11. Review status: criteria provided, single submitter. Criteria: ACMG Guidelines, 2015. Collection method: clinical testing. Allele origin: germline. Affected: no.

Genome-Nilou Lab
Classification: Benign for Factor H deficiency. Last evaluated: 2023-04-11. Review status: criteria provided, single submitter. Criteria: ACMG Guidelines, 2015. Collection method: clinical testing. Allele origin: germline. Affected: no.

Fulgent Genetics
Classification: Benign for Basal laminar drusen; Hemolytic uremic syndrome, atypical, susceptibility to, 1; Factor H deficiency; Age related macular degeneration 4. Last evaluated: 2021-12-30. Review status: criteria provided, single submitter. Criteria: ACMG Guidelines, 2015. Collection method: clinical testing. Allele origin: unknown.

Genome Diagnostics Laboratory, The Hospital for Sick Children
Classification: Likely benign for Kidney disorder. Last evaluated: 2020-01-01. Review status: criteria provided, single submitter. Criteria: ACMG Guidelines, 2015. Collection method: clinical testing. Allele origin: germline.

Genetic Services Laboratory, University of Chicago
Classification: Benign. Last evaluated: 2018-12-05. Review status: criteria provided, single submitter. Criteria: ACMG Guidelines, 2015. Collection method: clinical testing. Allele origin: germline. Affected: no.

Breakthrough Genomics
Classification: Likely benign. Review status: criteria provided, single submitter. Criteria: ACMG Guidelines, 2015. Collection method: not provided. Allele origin: germline. Inheritance: Autosomal recessive inheritance. Affected: yes.

Clinical Genetics DNA and cytogenetics Diagnostics Lab, Erasmus MC, Erasmus Medical Center
Classification: Benign. Review status: no assertion criteria provided. Collection method: clinical testing. Allele origin: germline. Affected: yes. Study: VKGL Data-share Consensus. Not counted in ClinVar's aggregate classification.

Clinical Genetics, Academic Medical Center
Classification: Benign. Review status: no assertion criteria provided. Collection method: clinical testing. Allele origin: germline. Affected: yes. Study: VKGL Data-share Consensus. Not counted in ClinVar's aggregate classification.

Genome Diagnostics Laboratory, University Medical Center Utrecht
Classification: Likely benign. Review status: no assertion criteria provided. Collection method: clinical testing. Allele origin: germline. Affected: yes. Study: VKGL Data-share Consensus. Not counted in ClinVar's aggregate classification.

NM_000186.4(CFH):c.3150T>C (p.Asn1050=)

Gene: CFH (complement factor H; plus strand). Cytogenetic location: 1q31.3.
Variant type: single nucleotide variant.
Coding change: c.3150T>C on transcript NM_000186.4 (MANE Select); coding-DNA position 3150, T replaced by C.
Protein change: p.Asn1050=; no amino-acid change (asparagine 1050 retained).
Molecular consequence: synonymous variant.
Genome position (GRCh38, 1-based): chr1:196,743,468, T>C. VCF-style: chr1-196743468-T-C. GRCh37 (hg19) VCF-style: chr1-196712598-T-C.
Identifiers: ClinVar variation 1284610 (VCV001284610.36), dbSNP rs113347629, ClinGen allele CA1305858.